The following is an entry in ClinVar:

NM_013275.6(ANKRD11):c.1640G>A (p.Arg547Gln)

Gene: ANKRD11 (ankyrin repeat domain 11; minus strand). Cytogenetic location: 16q24.3.
Variant type: single nucleotide variant.
Coding change: c.1640G>A on transcript NM_013275.6 (MANE Select); coding-DNA position 1640, G replaced by A.
Protein change: p.Arg547Gln; replaces arginine 547 with glutamine.
Molecular consequence: missense variant.
Genome position (GRCh38, 1-based): chr16:89,284,902, C>T on the plus strand (G>A on the coding strand, the complement: ANKRD11 is on the minus strand). VCF-style: chr16-89284902-C-T. GRCh37 (hg19) VCF-style: chr16-89351310-C-T.
Other names: c.1640G>A, p.Arg547Gln (NM_001256182.2, NM_001256183.2); short protein forms R547Q.
Identifiers: ClinVar variation 2871805 (VCV002871805.2), dbSNP rs766646838, ClinGen allele CA8242729.
Genomic context (GRCh38, chr16:89,284,902, plus strand): 5'-TCTGATAAAGAACTGACCTCTGACCAAGCCGGGGAAGAAATGGTTTTCCAATTGTCTGTC[C>T]GCCAGTGCTTGGTGTGCTGGTCTGTGTGGCTGGGGTTCTGCTTCTGGGCGGCAGAGCTCC-3'
Protein context (NP_037407.4, residues 537-557): SHTDQHTKHW[Arg547Gln]TDNWKTISSP

ClinVar aggregate classification (germline): Uncertain significance (1 of 4 stars; one submission).

Conditions:
KBG syndrome (KBGS). Also called: ANKRD11-Related KBG Syndrome. Identifiers: Orphanet 2332, MedGen C0220687, MONDO:0007846, OMIM 148050.

Allele frequency attached by ClinVar (database versions not stated): gnomAD 0.00001; gnomAD exomes 0.00001; TOPMed 0.00001; ExAC 0.00003.
gnomAD v4.1: 17 of 1,614,006 alleles (0.0011%); highest among the groups gnomAD compares: Admixed American, 0.01%; no homozygotes.

Submission:

Labcorp Genetics (formerly Invitae), Labcorp
Classification: Uncertain significance for KBG syndrome. Last evaluated: 2023-11-27. Review status: criteria provided, single submitter. Criteria: Invitae Variant Classification Sherloc (09022015). Collection method: clinical testing. Allele origin: germline.
Comment: This sequence change replaces arginine, which is basic and polar, with glutamine, which is neutral and polar, at codon 547 of the ANKRD11 protein (p.Arg547Gln). This variant is present in population databases (rs766646838, gnomAD 0.01%). This variant has not been reported in the literature in individuals affected with ANKRD11-related conditions. Advanced modeling of protein sequence and biophysical properties (such as structural, functional, and spatial information, amino acid conservation, physicochemical variation, residue mobility, and thermodynamic stability) performed at Invitae indicates that this missense variant is not expected to disrupt ANKRD11 protein function with a negative predictive value of 95%. In summary, the available evidence is currently insufficient to determine the role of this variant in disease. Therefore, it has been classified as a Variant of Uncertain Significance.